The following is an entry in ClinVar:

ClinVar aggregate classification (germline): Uncertain significance (1 of 4 stars; one submission).

Allele frequency attached by ClinVar (database versions not stated): gnomAD exomes below 0.00001.

Submission:

Labcorp Genetics (formerly Invitae), Labcorp
Classification: Uncertain significance. Last evaluated: 2022-11-01. Review status: criteria provided, single submitter. Criteria: Invitae Variant Classification Sherloc (09022015). Collection method: clinical testing. Allele origin: germline.
Comment: This sequence change replaces glutamic acid, which is acidic and polar, with aspartic acid, which is acidic and polar, at codon 1576 of the DSCAML1 protein (p.Glu1576Asp). In summary, the available evidence is currently insufficient to determine the role of this variant in disease. Therefore, it has been classified as a Variant of Uncertain Significance. Algorithms developed to predict the effect of missense changes on protein structure and function are either unavailable or do not agree on the potential impact of this missense change (SIFT: "Deleterious"; PolyPhen-2: "Benign"; Align-GVGD: "Class C35"). ClinVar contains an entry for this variant (Variation ID: 1359532). This variant has not been reported in the literature in individuals affected with DSCAML1-related conditions. This variant is present in population databases (no rsID available, gnomAD 0.0009%).

NM_020693.4(DSCAML1):c.4548G>C (p.Glu1516Asp)

Gene: DSCAML1 (DS cell adhesion molecule like 1; minus strand). Cytogenetic location: 11q23.3.
Variant type: single nucleotide variant.
Coding change: c.4548G>C on transcript NM_020693.4 (MANE Select); coding-DNA position 4548, G replaced by C.
Protein change: p.Glu1516Asp; replaces glutamic acid 1516 with aspartic acid.
Molecular consequence: missense variant.
Genome position (GRCh38, 1-based): chr11:117,437,294, C>G on the plus strand (G>C on the coding strand, the complement: DSCAML1 is on the minus strand). VCF-style: chr11-117437294-C-G. GRCh37 (hg19) VCF-style: chr11-117308010-C-G.
Other names: short protein forms E1516D.
Identifiers: ClinVar variation 1359532 (VCV001359532.6), dbSNP rs1360921657, ClinGen allele CA382758894.